The following is an entry in ClinVar:

ClinVar aggregate classification (germline): Uncertain significance (1 of 4 stars; one submission).

Allele frequency attached by ClinVar (database versions not stated): gnomAD exomes below 0.00001.
gnomAD v4.1: 3 of 1,604,040 alleles (0.00019%); highest among the groups gnomAD compares: Admixed American, 0.0017%; no homozygotes.

Submission:

Labcorp Genetics (formerly Invitae), Labcorp
Classification: Uncertain significance. Last evaluated: 2022-02-23. Review status: criteria provided, single submitter. Criteria: Invitae Variant Classification Sherloc (09022015). Collection method: clinical testing. Allele origin: germline.
Comment: This sequence change falls in intron 13 of the CEP250 gene. It does not directly change the encoded amino acid sequence of the CEP250 protein. It affects a nucleotide within the consensus splice site. This variant is not present in population databases (gnomAD no frequency). This variant has not been reported in the literature in individuals affected with CEP250-related conditions. Variants that disrupt the consensus splice site are a relatively common cause of aberrant splicing (PMID: 17576681, 9536098). Algorithms developed to predict the effect of sequence changes on RNA splicing suggest that this variant is not likely to affect RNA splicing. In summary, the available evidence is currently insufficient to determine the role of this variant in disease. Therefore, it has been classified as a Variant of Uncertain Significance.

Literature cited by the submitters: PubMed 17576681; PubMed 9536098.

NM_007186.6(CEP250):c.1388+6C>T

Genes: CEP250 (centrosomal protein 250; plus strand), CEP250-AS1 (CEP250 antisense RNA 1; minus strand). Cytogenetic location: 20q11.22.
Variant type: single nucleotide variant.
Coding change: c.1388+6C>T on transcript NM_007186.6 (MANE Select); 6 bases into the intron after coding-DNA position 1388, C replaced by T.
Molecular consequence: intron variant.
Genome position (GRCh38, 1-based): chr20:35,473,558, C>T. VCF-style: chr20-35473558-C-T. GRCh37 (hg19) VCF-style: chr20-34061383-C-T.
Other names: c.-512+6C>T (NM_001318219.1).
Identifiers: ClinVar variation 1389631 (VCV001389631.6), dbSNP rs2146794851, ClinGen allele CA2573157018.